The following is an entry in ClinVar:

NM_000642.3(AGL):c.756_757del (p.Arg252fs)

Gene: AGL (amylo-alpha-1,6-glucosidase and 4-alpha-glucanotransferase; plus strand). Cytogenetic location: 1p21.2.
Variant type: Microsatellite.
Coding change: c.756_757del on transcript NM_000642.3 (MANE Select); coding-DNA positions 756 to 757, 2 bases deleted (AG; older notation c.756_757delAG).
Protein change: p.Arg252fs; shifts the reading frame from arginine 252.
Molecular consequence: frameshift variant.
Genome position (GRCh38, 1-based): chr1:99,870,491-99,870,492, AG deleted; deleting any 2 consecutive bases within chr1:99,870,489-99,870,492 gives the same sequence; the c. name uses the placement nearest the transcript's 3' end. VCF-style (leftmost placement, unchanged base first): chr1-99870488-CAG-C. GRCh37 (hg19) VCF-style: chr1-100336044-CAG-C.
Other names: c.756_757del, p.Arg252fs (NM_000028.3, NM_000643.3, NM_000644.3 and 3 more transcripts); c.708_709del, p.Arg236fs (NM_000646.3); c.552_553del, p.Arg184fs (NM_001425328.1, NM_001425329.1); c.378_379del, p.Arg126fs (NM_001425332.1); short protein forms R126fs, R184fs, R236fs, R252fs.
Identifiers: ClinVar variation 5012913 (VCV005012913.1).

ClinVar aggregate classification (germline): Pathogenic (1 of 4 stars; one submission).

Conditions:
Glycogen storage disease type III (GSD3). Also called: FORBES DISEASE; Cori disease. Identifiers: Orphanet 366, MedGen C0017922, MONDO:0009291, OMIM 232400.

Submission:

Myriad Genetics, Inc.
Classification: Pathogenic for Glycogen storage disease type III. Last evaluated: 2024-04-11. Review status: criteria provided, single submitter. Criteria: Myriad Autosomal Dominant, Autosomal Recessive and X-Linked Classification Criteria (2023). Collection method: clinical testing. Allele origin: unknown.
Comment: NM_000642.2(AGL):c.756_757delAG(R252Sfs*8) is expected to be pathogenic in the context of glycogen storage disease type III. This variant is predicted to lead to an abnormal or absent protein product due to the creation of a premature termination codon in AGL, a gene where loss-of-function variants are known to be pathogenic. Please note: this variant was assessed in the context of healthy population screening.